The following is an entry in ClinVar:

ClinVar aggregate classification (germline): Benign/Likely benign. Review status: criteria provided, multiple submitters, no conflicts (2 of 4 stars). 2 submissions from 2 submitters: Benign (1); Likely benign (1). Last evaluated 2024-12-18.

Conditions:
Hereditary nonpolyposis colorectal neoplasms. Identifiers: MedGen C0009405, MeSH D003123.
Lynch syndrome 5 (LYNCH5). Also called: Hereditary non-polyposis colorectal cancer, type 5; Colorectal cancer, hereditary nonpolyposis, type 5. Identifiers: Orphanet 144, MedGen C1833477, MONDO:0013710, OMIM 614350. Disease mechanism: loss of function.

Submissions (2):

Myriad Genetics, Inc.
Classification: Benign for Lynch syndrome 5. Last evaluated: 2024-12-18. Review status: criteria provided, single submitter. Criteria: Myriad Autosomal Dominant, Autosomal Recessive and X-Linked Classification Criteria (2023). Collection method: clinical testing. Allele origin: unknown.
Comment: This variant is considered benign. This variant is a silent/synonymous amino acid change and it is not expected to impact splicing.

Labcorp Genetics (formerly Invitae), Labcorp
Classification: Likely benign for Hereditary nonpolyposis colorectal neoplasms. Last evaluated: 2023-11-13. Review status: criteria provided, single submitter. Criteria: Invitae Variant Classification Sherloc (09022015). Collection method: clinical testing. Allele origin: germline.

NM_000179.3(MSH6):c.423C>A (p.Gly141=)

Gene: MSH6 (mutS homolog 6; plus strand). Cytogenetic location: 2p16.3.
Variant type: single nucleotide variant.
Coding change: c.423C>A on transcript NM_000179.3 (MANE Select); coding-DNA position 423, C replaced by A.
Protein change: p.Gly141=; no amino-acid change (glycine 141 retained).
Molecular consequence: synonymous variant. On other transcripts: 5 prime UTR variant (7), non-coding transcript variant (5), intron variant (6).
Genome position (GRCh38, 1-based): chr2:47,791,089, C>A. VCF-style: chr2-47791089-C-A. GRCh37 (hg19) VCF-style: chr2-48018228-C-A.
Other names: c.-314C>A (NM_001281493.2, NM_001406811.1, NM_001406823.1 and 1 more transcripts); c.-480C>A (NM_001281494.2); c.519C>A, p.Gly173= (NM_001406795.1, NM_001406802.1); c.423C>A, p.Gly141= (NM_001406796.1, NM_001406798.1, NM_001406800.1 and 6 more transcripts); c.126C>A, p.Gly42= (NM_001406797.1, NM_001406801.1, NM_001406805.1 and 10 more transcripts); c.345C>A, p.Gly115= (NM_001406804.1); c.-506C>A (NM_001406807.1); c.-572C>A (NM_001406814.1); and 5 more.
Identifiers: ClinVar variation 2421623 (VCV002421623.9), dbSNP rs777587467, ClinGen allele CA425989486.